The following is an entry in ClinVar:

ClinVar aggregate classification (germline): Likely benign. Review status: criteria provided, multiple submitters, no conflicts (2 of 4 stars). 2 submissions from 2 submitters: Likely benign (2). Last evaluated 2025-02-16.

Conditions:
Thyroid hormone resistance, generalized, autosomal dominant (GRTHD). Also called: HYPERTHYROXINEMIA, FAMILIAL EUTHYROID, SECONDARY TO PITUITARY AND PERIPHERAL RESISTANCE TO THYROID HORMONES. Identifiers: MedGen C2937288, MONDO:0008569, OMIM 188570.

Allele frequency attached by ClinVar (database versions not stated): gnomAD 0.00009; TOPMed 0.00011; gnomAD exomes 0.00014; ExAC 0.00016.
gnomAD v4.1: 123 of 1,613,952 alleles (0.0076%); highest among the groups gnomAD compares: South Asian, 0.048%; 3 homozygotes.

Submissions (2):

Laboratory of Genetics, Children's Clinical University Hospital Latvia
Classification: Likely benign. Last evaluated: 2025-02-16. Review status: criteria provided, single submitter. Criteria: ACMG Guidelines, 2015. Collection method: clinical testing. Allele origin: germline. Affected: yes.

Illumina Laboratory Services, Illumina
Classification: Likely benign for Thyroid hormone resistance, generalized, autosomal dominant. Last evaluated: 2018-01-12. Review status: criteria provided, single submitter. Criteria: ICSL Variant Classification Criteria 13 December 2019. Collection method: clinical testing. Allele origin: germline.
Comment: This variant was observed in the ICSL laboratory as part of a predisposition screen in an ostensibly healthy population. It had not been previously curated by ICSL or reported in the Human Gene Mutation Database (HGMD: prior to June 1st, 2018), and was therefore a candidate for classification through an automated scoring system. Utilizing variant allele frequency, disease prevalence and penetrance estimates, and inheritance mode, an automated score was calculated to assess if this variant is too frequent to cause the disease. Based on the score and internal cut-off values, a variant classified as likely benign is not then subjected to further curation. The score for this variant resulted in a classification of likely benign for this disease.

NM_001354712.2(THRB):c.68G>A (p.Arg23Gln)

Gene: THRB (thyroid hormone receptor beta; minus strand). Cytogenetic location: 3p24.2.
Variant type: single nucleotide variant.
Coding change: c.68G>A on transcript NM_001354712.2 (MANE Select); coding-DNA position 68, G replaced by A.
Protein change: p.Arg23Gln; replaces arginine 23 with glutamine.
Molecular consequence: missense variant. On other transcripts: 5 prime UTR variant (2).
Genome position (GRCh38, 1-based): chr3:24,190,289, C>T on the plus strand (G>A on the coding strand, the complement: THRB is on the minus strand). VCF-style: chr3-24190289-C-T. GRCh37 (hg19) VCF-style: chr3-24231780-C-T.
Other names: c.68G>A, p.Arg23Gln (NM_000461.5, NM_001128176.3, NM_001128177.2 and 12 more transcripts); c.-26G>A (NM_001354714.2, NM_001354715.2); short protein forms R23Q.
Identifiers: ClinVar variation 900163 (VCV000900163.5), dbSNP rs200124942, ClinGen allele CA2287448.